The following is an entry in ClinVar:

NM_170682.4(P2RX2):c.542G>T (p.Gly181Val)

Gene: P2RX2 (purinergic receptor P2X 2; plus strand). Cytogenetic location: 12q24.33.
Variant type: single nucleotide variant.
Coding change: c.542G>T on transcript NM_170682.4 (MANE Select); coding-DNA position 542, G replaced by T.
Protein change: p.Gly181Val; replaces glycine 181 with valine.
Molecular consequence: missense variant.
Genome position (GRCh38, 1-based): chr12:132,620,084, G>T. VCF-style: chr12-132620084-G-T. GRCh37 (hg19) VCF-style: chr12-133196670-G-T.
Other names: c.435G>T, p.Trp145Cys (NM_001282164.2); c.542G>T, p.Gly181Val (NM_001282165.2, NM_170683.4, NM_174873.3); c.326G>T, p.Gly109Val (NM_012226.5); c.470G>T, p.Gly157Val (NM_016318.4); c.266G>T, p.Gly89Val (NM_174872.3); short protein forms W145C, G157V, G89V, G109V, G181V.
Identifiers: ClinVar variation 1402269 (VCV001402269.9), dbSNP rs2138367883, ClinGen allele CA387359446.

ClinVar aggregate classification (germline): Uncertain significance. Review status: criteria provided, multiple submitters, no conflicts (2 of 4 stars). 2 submissions from 2 submitters: Uncertain significance (2). Last evaluated 2024-12-26.

Allele frequency attached by ClinVar (database versions not stated): gnomAD exomes below 0.00001.
gnomAD v4.1: 1 of 1,581,194 alleles (0.000063%); highest among the groups gnomAD compares: Admixed American, 0.0018%; no homozygotes.

Submissions (2):

Women's Health and Genetics/Laboratory Corporation of America, LabCorp
Classification: Uncertain significance. Last evaluated: 2024-12-26. Review status: criteria provided, single submitter. Criteria: LabCorp Variant Classification Summary - May 2015. Collection method: clinical testing. Allele origin: germline.
Comment: Variant summary: P2RX2 c.542G>T (p.Gly181Val) results in a non-conservative amino acid change in the encoded protein sequence. Three of five in-silico tools predict a damaging effect of the variant on protein function. The variant was absent in 193190 control chromosomes. The available data on variant occurrences in the general population are insufficient to allow any conclusion about variant significance. To our knowledge, no occurrence of c.542G>T in individuals affected with Autosomal Dominant Nonsyndromic Hearing Loss 41 and no experimental evidence demonstrating its impact on protein function have been reported. ClinVar contains an entry for this variant (Variation ID: 1402269). Based on the evidence outlined above, the variant was classified as uncertain significance.

Labcorp Genetics (formerly Invitae), Labcorp
Classification: Uncertain significance. Last evaluated: 2022-02-05. Review status: criteria provided, single submitter. Criteria: Invitae Variant Classification Sherloc (09022015). Collection method: clinical testing. Allele origin: germline.
Comment: In summary, the available evidence is currently insufficient to determine the role of this variant in disease. Therefore, it has been classified as a Variant of Uncertain Significance. Algorithms developed to predict the effect of missense changes on protein structure and function are either unavailable or do not agree on the potential impact of this missense change (SIFT: "Tolerated"; PolyPhen-2: "Probably Damaging"; Align-GVGD: "Class C0"). This variant has not been reported in the literature in individuals affected with P2RX2-related conditions. This variant is not present in population databases (gnomAD no frequency). This sequence change replaces glycine, which is neutral and non-polar, with valine, which is neutral and non-polar, at codon 181 of the P2RX2 protein (p.Gly181Val).